The following is an entry in ClinVar:

ClinVar aggregate classification (germline): Uncertain significance (1 of 4 stars; one submission).

Conditions:
Hereditary cancer-predisposing syndrome. Also called: Neoplastic Syndromes, Hereditary; Hereditary Cancer Syndrome; Hereditary neoplastic syndrome; Tumor predisposition. Identifiers: Orphanet 140162, MedGen C0027672, MeSH D009386, MONDO:0015356.

Allele frequency attached by ClinVar (database versions not stated): gnomAD exomes below 0.00001.
gnomAD v4.1: 1 of 1,604,800 alleles (0.000062%); no homozygotes.

Submission:

Ambry Genetics
Classification: Uncertain significance for Hereditary cancer-predisposing syndrome. Last evaluated: 2016-06-09. Review status: criteria provided, single submitter. Criteria: Ambry Variant Classification Scheme 2023. Collection method: clinical testing. Allele origin: germline.
Comment: The p.S131A variant (also known as c.391T>G), located in coding exon 3 of the BRCA2 gene, results from a T to G substitution at nucleotide position 391. The serine at codon 131 is replaced by alanine, an amino acid with similar properties. This variant was not reported in population based cohorts in the following databases: Database of Single Nucleotide Polymorphisms (dbSNP), NHLBI Exome Sequencing Project (ESP), and 1000 Genomes Project. In the ESP, this variant was not observed in 6503 samples (13006 alleles) with coverage at this position. To date, this alteration has been detected with an allele frequency of approximately 0.0003% (greater than 300000 alleles tested) in our clinical cohort. This amino acid position is poorly conserved and alanine is the reference amino acid in several vertebrate species. In addition, this alteration is predicted to be tolerated by in silico analysis. Since supporting evidence is limited at this time, the clinical significance of this alteration remains unclear.

NM_000059.4(BRCA2):c.391T>G (p.Ser131Ala)

Gene: BRCA2 (BRCA2 DNA repair associated; plus strand). Cytogenetic location: 13q13.1.
Variant type: single nucleotide variant.
Coding change: c.391T>G on transcript NM_000059.4 (MANE Select); coding-DNA position 391, T replaced by G.
Protein change: p.Ser131Ala; replaces serine 131 with alanine.
Molecular consequence: missense variant.
Genome position (GRCh38, 1-based): chr13:32,325,150, T>G. VCF-style: chr13-32325150-T-G. GRCh37 (hg19) VCF-style: chr13-32899287-T-G.
Other names: short protein forms S131A.
Identifiers: ClinVar variation 479326 (VCV000479326.5), dbSNP rs1555280862, ClinGen allele CA387756681.
Genomic context (GRCh38, chr13:32,325,150, plus strand): 5'-AATAGTAGACATAAAAGTCTTCGCACAGTGAAAACTAAAATGGATCAAGCAGATGATGTT[T>G]CCTGTCCACTTCTAAATTCTTGTCTTAGTGAAAGGTATGATGAAGCTATTATATTAAAAT-3'
Protein context (NP_000050.3, residues 121-141): KTKMDQADDV[Ser131Ala]CPLLNSCLSE